The following is an entry in ClinVar:

NM_001144967.3(NEDD4L):c.786G>T (p.Glu262Asp)

Gene: NEDD4L (NEDD4 like E3 ubiquitin protein ligase; plus strand). Cytogenetic location: 18q21.31.
Variant type: single nucleotide variant.
Coding change: c.786G>T on transcript NM_001144967.3 (MANE Select); coding-DNA position 786, G replaced by T.
Protein change: p.Glu262Asp; replaces glutamic acid 262 with aspartic acid.
Molecular consequence: missense variant.
Genome position (GRCh38, 1-based): chr18:58,329,100, G>T. VCF-style: chr18-58329100-G-T. GRCh37 (hg19) VCF-style: chr18-55996332-G-T.
Other names: c.423G>T, p.Glu141Asp (NM_001144964.1, NM_001144965.2, NM_001144966.3 and 2 more transcripts); c.762G>T, p.Glu254Asp (NM_001144968.2, NM_001144969.2); c.786G>T, p.Glu262Asp (NM_001243960.2, NM_015277.6); short protein forms E141D, E262D, E254D.
Identifiers: ClinVar variation 2087767 (VCV002087767.5), dbSNP rs2516326865, ClinGen allele CA402554642.

ClinVar aggregate classification (germline): Uncertain significance. Review status: criteria provided, multiple submitters, no conflicts (2 of 4 stars). 2 submissions from 2 submitters: Uncertain significance (2). Last evaluated 2024-07-02.

Allele frequency attached by ClinVar (database versions not stated): gnomAD exomes below 0.00001.
gnomAD v4.1: 1 of 1,614,010 alleles (0.000062%); highest among the groups gnomAD compares: Non-Finnish European, 0.000085%; no homozygotes.

Submissions (2):

Blueprint Genetics
Classification: Uncertain significance. Last evaluated: 2024-07-02. Review status: criteria provided, single submitter. Criteria: ACMG Guidelines, 2015. Collection method: clinical testing. Allele origin: germline.

Labcorp Genetics (formerly Invitae), Labcorp
Classification: Uncertain significance. Last evaluated: 2023-10-16. Review status: criteria provided, single submitter. Criteria: Invitae Variant Classification Sherloc (09022015). Collection method: clinical testing. Allele origin: germline.
Comment: This sequence change replaces glutamic acid, which is acidic and polar, with aspartic acid, which is acidic and polar, at codon 262 of the NEDD4L protein (p.Glu262Asp). This variant is not present in population databases (gnomAD no frequency). This variant has not been reported in the literature in individuals affected with NEDD4L-related conditions. ClinVar contains an entry for this variant (Variation ID: 2087767). Advanced modeling of protein sequence and biophysical properties (such as structural, functional, and spatial information, amino acid conservation, physicochemical variation, residue mobility, and thermodynamic stability) performed at Invitae indicates that this missense variant is not expected to disrupt NEDD4L protein function. In summary, the available evidence is currently insufficient to determine the role of this variant in disease. Therefore, it has been classified as a Variant of Uncertain Significance.